The following is an entry in ClinVar:

ClinVar aggregate classification (germline): Pathogenic. Review status: criteria provided, single submitter (1 of 4 stars). 2 submissions from 2 submitters: Pathogenic (1). 1 of the submissions does not count toward it. Last evaluated 2025-02-22.
ClinVar aggregate classification (somatic clinical impact): Tier I - Strong (1 of 4 stars; one submission).

Conditions:
EBV-positive nodal T- and NK-cell lymphoma.
Medulloblastoma WNT activated. Identifiers: MedGen C4331965, MONDO:0850196.

Submissions (4):

GeneDx
Classification: Pathogenic. Last evaluated: 2025-02-22. Review status: criteria provided, single submitter. Criteria: GeneDx Variant Classification Process June 2021. Collection method: clinical testing. Allele origin: germline.
Comment: Published functional studies demonstrate that the variant results in disrupted subcellular localization (PMID: 26235985, 32135084); Not observed at significant frequency in large population cohorts (gnomAD); In silico analysis supports that this missense variant has a deleterious effect on protein structure/function; This variant is associated with the following publications: (PMID: 28135719, 28191890, 31278258, 33057194, 33504798, 25533962, 31785789, 26235985, 29100083, 37010288, 35982159, 32135084)

Institute for Genomic Medicine (IGM) Clinical Laboratory, Nationwide Children's Hospital
Classification: Tier I - Strong for Medulloblastoma WNT activated. Assertion type: diagnostic. Clinical significance: supports diagnosis. Last evaluated: 2022-10-24. Review status: criteria provided, single submitter. Criteria: AMP/ASCO/CAP Guidelines, 2017. Collection method: clinical testing. Allele origin: somatic. Affected: yes.
Comment: Variant has Tier I (strong) clinical significance as a diagnostic inclusion criterion in medulloblastoma WNT activated, based on the following evidence: 1) Documented in one or more cancer databases (e.g., St. Jude Pecan, COSMIC, CIViC, OncoKB). 2) Appears in one or more well-established professional guidelines (e.g., World Health Organization [WHO]; National Comprehensive Cancer Network [NCCN]) as providing diagnostic, prognostic, or therapeutic information. 3) Information in the literature supports potential biologic effect of variant (PMIDs: 26598523, 33627125). 4) Diagnostic for a specific tumor type/classification based on well-powered studies with expert-level consensus (Evidence Level B; PMIDs: 22832583, 22722829, 28726821, 22820256).

Department of Clinical Pathology, School of Medicine, Fujita Health University
Classification: Pathogenic for EBV-positive nodal T- and NK-cell lymphoma. Review status: no assertion criteria provided. Collection method: research. Allele origin: unknown. Affected: yes. Not counted in ClinVar's aggregate classification.

Dr. Peter K. Rogan Lab, Western University
No classification provided (evidence only). Condition: Thyroid cancer, nonmedullary, 1. Review status: no classification provided. Collection method: in vitro. Allele origin: not applicable. Functional consequence: retained intron. Not counted in ClinVar's aggregate classification.

Literature cited by the submitters: PubMed 26598523 (cited by Institute for Genomic Medicine (IGM) Clinical Laboratory, Nationwide Children's Hospital); PubMed 33627125 (cited by Institute for Genomic Medicine (IGM) Clinical Laboratory, Nationwide Children's Hospital); PubMed 22832583 (cited by Institute for Genomic Medicine (IGM) Clinical Laboratory, Nationwide Children's Hospital); PubMed 22722829 (cited by Institute for Genomic Medicine (IGM) Clinical Laboratory, Nationwide Children's Hospital); PubMed 28726821 (cited by Institute for Genomic Medicine (IGM) Clinical Laboratory, Nationwide Children's Hospital); PubMed 22820256 (cited by Institute for Genomic Medicine (IGM) Clinical Laboratory, Nationwide Children's Hospital).

NM_001356.5(DDX3X):c.1601G>A (p.Arg534His)

Gene: DDX3X (DEAD-box helicase 3 X-linked; plus strand). Cytogenetic location: Xp11.4.
Variant type: single nucleotide variant.
Coding change: c.1601G>A on transcript NM_001356.5 (MANE Select); coding-DNA position 1601, G replaced by A.
Protein change: p.Arg534His; replaces arginine 534 with histidine.
Molecular consequence: missense variant. On other transcripts: non-coding transcript variant (1).
Genome position (GRCh38, 1-based): chrX:41,346,608, G>A. VCF-style: chrX-41346608-G-A. GRCh37 (hg19) VCF-style: chrX-41205861-G-A.
Other names: NC_000023.10:g.41205861G>A; c.1601G>A, p.Arg534His (NM_001193416.3); c.1553G>A, p.Arg518His (NM_001193417.3); c.1043G>A, p.Arg348His (NM_001363819.1); short protein forms R348H, R518H, R534H.
Identifiers: ClinVar variation 2444713 (VCV002444713.5), dbSNP rs2147359333, ClinGen allele CA412776978.